The following is an entry in ClinVar:

NM_000548.5(TSC2):c.2351A>C (p.Lys784Thr)

Gene: TSC2 (TSC complex subunit 2; plus strand). Cytogenetic location: 16p13.3.
Variant type: single nucleotide variant.
Coding change: c.2351A>C on transcript NM_000548.5 (MANE Select); coding-DNA position 2351, A replaced by C.
Protein change: p.Lys784Thr; replaces lysine 784 with threonine.
Molecular consequence: missense variant.
Genome position (GRCh38, 1-based): chr16:2,072,979, A>C. VCF-style: chr16-2072979-A-C. GRCh37 (hg19) VCF-style: chr16-2122980-A-C.
Other names: c.1751A>C, p.Lys584Thr (NM_001318831.2); c.2384A>C, p.Lys795Thr (NM_001318832.2); c.2351A>C, p.Lys784Thr (NM_001363528.2, NM_001077183.3, NM_001370404.1 and 3 more transcripts); c.2240A>C, p.Lys747Thr (NM_001318827.2); c.2204A>C, p.Lys735Thr (NM_001318829.2); c.2351A>C (NM_000548.4); short protein forms K784T, K584T, K735T, K747T, K795T.
Identifiers: ClinVar variation 467937 (VCV000467937.16), dbSNP rs1489548085, ClinGen allele CA394276706.
Genomic context (GRCh38, chr16:2,072,979, plus strand): 5'-TGGCCGTGGTTCCAGTGCTGACAGCATTAATCTCTTACCATAACTACCTGGACAAAACCA[A>C]ACAGGTAGGAGGTCAGAGCAGGACAGGCGAGCTTGATGGGGCCTGGGATTCGAGGGCCTG-3'
Protein context (NP_000539.2, residues 774-794): ISYHNYLDKT[Lys784Thr]QREMVYCLEQ

ClinVar aggregate classification (germline): Uncertain significance. Review status: criteria provided, multiple submitters, no conflicts (2 of 4 stars). 5 submissions from 5 submitters: Uncertain significance (4). 1 of the submissions does not count toward it. Last evaluated 2025-05-31.

Conditions:
Hereditary cancer-predisposing syndrome. Also called: Hereditary neoplastic syndrome; Neoplastic Syndromes, Hereditary; Tumor predisposition; Hereditary Cancer Syndrome. Identifiers: Orphanet 140162, MedGen C0027672, MeSH D009386, MONDO:0015356.
Isolated focal cortical dysplasia type II (FCORD2). Also called: CORTICAL DYSPLASIA OF TAYLOR; Focal cortical dysplasia type II. Identifiers: Orphanet 268994, MedGen C1846385, MONDO:0011818, OMIM 607341, HP:0032051.
TSC2-related disorder. Also called: TSC2-related condition; TSC2-Related Disorders.
Tuberous sclerosis 2 (TSC2). Identifiers: Orphanet 805, MedGen C1860707, MONDO:0013199, OMIM 613254.
Lymphangiomyomatosis (LAM). Also called: Lymphangioleiomyomatosis; Lymphangioleiomyomatosis, somatic. Identifiers: Orphanet 538, MedGen C0751674, MONDO:0011705, OMIM 606690.

gnomAD v4.1: 1 of 1,613,480 alleles (0.000062%); highest among the groups gnomAD compares: Non-Finnish European, 0.000085%; no homozygotes.

Submissions (5):

Ambry Genetics
Classification: Uncertain significance for Hereditary cancer-predisposing syndrome. Last evaluated: 2025-05-31. Review status: criteria provided, single submitter. Criteria: Ambry Variant Classification Scheme 2023. Collection method: clinical testing. Allele origin: germline.
Comment: The p.K784T variant (also known as c.2351A>C), located in coding exon 20 of the TSC2 gene, results from an A to C substitution at nucleotide position 2351. The lysine at codon 784 is replaced by threonine, an amino acid with similar properties. This amino acid position is conserved. In addition, the in silico prediction for this alteration is inconclusive. Since supporting evidence is limited at this time, the clinical significance of this alteration remains unclear.

Labcorp Genetics (formerly Invitae), Labcorp
Classification: Uncertain significance for Tuberous sclerosis 2. Last evaluated: 2024-10-02. Review status: criteria provided, single submitter. Criteria: Invitae Variant Classification Sherloc (09022015). Collection method: clinical testing. Allele origin: germline.
Comment: This sequence change replaces lysine, which is basic and polar, with threonine, which is neutral and polar, at codon 784 of the TSC2 protein (p.Lys784Thr). This variant is not present in population databases (gnomAD no frequency). This variant has not been reported in the literature in individuals affected with TSC2-related conditions. ClinVar contains an entry for this variant (Variation ID: 467937). Invitae Evidence Modeling of protein sequence and biophysical properties (such as structural, functional, and spatial information, amino acid conservation, physicochemical variation, residue mobility, and thermodynamic stability) indicates that this missense variant is not expected to disrupt TSC2 protein function with a negative predictive value of 95%. In summary, the available evidence is currently insufficient to determine the role of this variant in disease. Therefore, it has been classified as a Variant of Uncertain Significance.

Baylor Genetics
Classification: Uncertain significance for Isolated focal cortical dysplasia type II. Last evaluated: 2024-03-15. Review status: criteria provided, single submitter. Criteria: ACMG Guidelines, 2015. Collection method: clinical testing. Allele origin: unknown.

Fulgent Genetics
Classification: Uncertain significance for Lymphangiomyomatosis; Isolated focal cortical dysplasia type II; Tuberous sclerosis 2. Last evaluated: 2024-02-03. Review status: criteria provided, single submitter. Criteria: ACMG Guidelines, 2015. Collection method: clinical testing. Allele origin: germline.

PreventionGenetics, part of Exact Sciences
Classification: Uncertain significance for TSC2-related condition. Last evaluated: 2024-08-24. Review status: no assertion criteria provided. Collection method: clinical testing. Allele origin: germline. Not counted in ClinVar's aggregate classification.
Comment: The TSC2 c.2351A>C variant is predicted to result in the amino acid substitution p.Lys784Thr. To our knowledge, this variant has not been reported in the literature or in a large population database, indicating this variant is rare. This variant is interpreted as uncertain in ClinVar. At this time, the clinical significance of this variant is uncertain due to the absence of conclusive functional and genetic evidence.